The following is an entry in ClinVar:

NM_002480.3(PPP1R12A):c.1900G>A (p.Val634Ile)

Gene: PPP1R12A (protein phosphatase 1 regulatory subunit 12A; minus strand). Cytogenetic location: 12q21.2.
Variant type: single nucleotide variant.
Coding change: c.1900G>A on transcript NM_002480.3 (MANE Select); coding-DNA position 1900, G replaced by A.
Protein change: p.Val634Ile; replaces valine 634 with isoleucine.
Molecular consequence: missense variant.
Genome position (GRCh38, 1-based): chr12:79,805,692, C>T on the plus strand (G>A on the coding strand, the complement: PPP1R12A is on the minus strand). VCF-style: chr12-79805692-C-T. GRCh37 (hg19) VCF-style: chr12-80199472-C-T.
Other names: c.1900G>A, p.Val634Ile (NM_001143885.2, NM_001244990.2); c.1639G>A, p.Val547Ile (NM_001143886.2); c.1732G>A, p.Val578Ile (NM_001244992.1); short protein forms V578I, V634I, V547I.
Identifiers: ClinVar variation 4774973 (VCV004774973.1).
Genomic context (GRCh38, chr12:79,805,692, plus strand): 5'-CAGCAGTAGTTGTAGTCAGGGTTGTGGTAGAAGCTGCAGCATTTACAACAGTTGGAGCAA[C>T]AGGAATGGTCACTGCCGTAGGAACACTGTCCTTTTCTTTCTCAGTACTATCCTCAGCCCA-3'
Protein context (NP_002471.1, residues 624-644): DSVPTAVTIP[Val634Ile]APTVVNAAAS

ClinVar aggregate classification (germline): Uncertain significance (1 of 4 stars; one submission).

gnomAD v4.1: 1 of 1,613,628 alleles (0.000062%); highest among the groups gnomAD compares: African/African-American, 0.0013%; no homozygotes.

Submission:

Labcorp Genetics (formerly Invitae), Labcorp
Classification: Uncertain significance. Last evaluated: 2025-06-16. Review status: criteria provided, single submitter. Criteria: Invitae Variant Classification Sherloc (09022015). Collection method: clinical testing. Allele origin: germline.
Comment: This sequence change replaces valine, which is neutral and non-polar, with isoleucine, which is neutral and non-polar, at codon 634 of the PPP1R12A protein (p.Val634Ile). This variant is not present in population databases (gnomAD no frequency). This variant has not been reported in the literature in individuals affected with PPP1R12A-related conditions. An algorithm developed to predict the effect of missense changes on protein structure and function (PolyPhen-2) suggests that this variant is likely to be disruptive. In summary, the available evidence is currently insufficient to determine the role of this variant in disease. Therefore, it has been classified as a Variant of Uncertain Significance.